The following is an entry in ClinVar:

ClinVar aggregate classification (germline): Pathogenic/Likely pathogenic. Review status: criteria provided, multiple submitters, no conflicts (2 of 4 stars). 2 submissions from 2 submitters: Pathogenic (1); Likely pathogenic (1). Last evaluated 2026-08-27.

Conditions:
Bloom syndrome (BLM). Also called: Bloom-Torre-Machacek syndrome. Identifiers: Orphanet 125, MedGen C0005859, MONDO:0008876, OMIM 210900.

Submissions (2):

Myriad Genetics, Inc.
Classification: Pathogenic for Bloom syndrome. Last evaluated: 2026-08-27. Review status: criteria provided, single submitter. Criteria: Myriad Autosomal Dominant, Autosomal Recessive and X-Linked Classification Criteria (2023). Collection method: clinical testing. Allele origin: unknown.
Comment: This variant is considered pathogenic. This variant occurs within a consensus splice junction and is predicted to result in abnormal mRNA splicing of either an out-of-frame exon or an in-frame exon necessary for protein stability and/or normal function. This variant has been reported in multiple individuals with clinical features of gene-specific disease [PMID: 29783825, 32458418].

Labcorp Genetics (formerly Invitae), Labcorp
Classification: Likely pathogenic for Bloom syndrome. Last evaluated: 2024-02-01. Review status: criteria provided, single submitter. Criteria: Invitae Variant Classification Sherloc (09022015). Collection method: clinical testing. Allele origin: germline.
Comment: This sequence change affects a donor splice site in intron 4 of the BLM gene. It is expected to disrupt RNA splicing. Variants that disrupt the donor or acceptor splice site typically lead to a loss of protein function (PMID: 16199547), and loss-of-function variants in BLM are known to be pathogenic (PMID: 17407155). This variant is not present in population databases (gnomAD no frequency). This variant has not been reported in the literature in individuals affected with BLM-related conditions. Algorithms developed to predict the effect of sequence changes on RNA splicing suggest that this variant may disrupt the consensus splice site. In summary, the currently available evidence indicates that the variant is pathogenic, but additional data are needed to prove that conclusively. Therefore, this variant has been classified as Likely Pathogenic.

Literature cited by the submitters: PubMed 29783825 (cited by Myriad Genetics, Inc.); PubMed 32458418 (cited by Myriad Genetics, Inc.); PubMed 16199547 (cited by Labcorp Genetics (formerly Invitae), Labcorp); PubMed 17407155 (cited by Labcorp Genetics (formerly Invitae), Labcorp).

NM_000057.4(BLM):c.959+1G>A

Gene: BLM (BLM RecQ like helicase; plus strand). Cytogenetic location: 15q26.1.
Variant type: single nucleotide variant.
Coding change: c.959+1G>A on transcript NM_000057.4 (MANE Select); the canonical splice donor site of the intron after coding-DNA position 959, G replaced by A.
Molecular consequence: splice donor variant.
Genome position (GRCh38, 1-based): chr15:90,751,947, G>A. VCF-style: chr15-90751947-G-A. GRCh37 (hg19) VCF-style: chr15-91295177-G-A.
Other names: c.959+1G>A (NM_001287246.2, NM_001287247.2); c.-333+1G>A (NM_001287248.2).
Identifiers: ClinVar variation 3698732 (VCV003698732.3).
Genomic context (GRCh38, chr15:90,751,947, plus strand): 5'-TGTTCCACCTTCTCCAGAAGAAATTATTTCTGCTTCTTCTTCCTCTTCAAAATGCCTTAG[G>A]TAAACTAGCTAAATAATTAGCATTATTATTTGTTTCTGGGATACTTTAAATTGTTTAATT-3'